The following is an entry in ClinVar:

NM_000252.3(MTM1):c.722G>A (p.Arg241His)

Gene: MTM1 (myotubularin 1; plus strand). Cytogenetic location: Xq28.
Variant type: single nucleotide variant.
Coding change: c.722G>A on transcript NM_000252.3 (MANE Select); coding-DNA position 722, G replaced by A.
Protein change: p.Arg241His; replaces arginine 241 with histidine.
Molecular consequence: missense variant.
Genome position (GRCh38, 1-based): chrX:150,645,726, G>A. VCF-style: chrX-150645726-G-A. GRCh37 (hg19) VCF-style: chrX-149814199-G-A.
Other names: c.722G>A, p.Arg241His (NM_001376906.1, NM_001376908.1); c.611G>A, p.Arg204His (NM_001376907.1); short protein forms R204H, R241H.
Identifiers: ClinVar variation 3335990 (VCV003335990.1).

ClinVar aggregate classification (germline): Uncertain significance (1 of 4 stars; one submission).

Submission:

Women's Health and Genetics/Laboratory Corporation of America, LabCorp
Classification: Uncertain significance. Last evaluated: 2024-05-31. Review status: criteria provided, single submitter. Criteria: LabCorp Variant Classification Summary - May 2015. Collection method: clinical testing. Allele origin: germline.
Comment: Variant summary: MTM1 c.722G>A (p.Arg241His) results in a non-conservative amino acid change located in the Myotubularin-like, phosphatase domain (IPR010569) of the encoded protein sequence. Five of five in-silico tools predict a damaging effect of the variant on protein function. The variant was absent in 182919 control chromosomes. c.722G>A has been reported in the literature in a hemizygous individual affected with X-Linked Myotubular Myopathy (Barreto-Mota_2023). These data do not allow any conclusion about variant significance. A different variant affecting the same codon has been classified as pathogenic by our lab (c.721C>T, p.Arg241Cys), supporting the critical relevance of codon 241 to MTM1 protein function. To our knowledge, no experimental evidence demonstrating an impact on protein function has been reported. The following publication has been ascertained in the context of this evaluation (PMID: 36973888). No submitters have cited clinical-significance assessments for this variant to ClinVar. Based on the evidence outlined above, the variant was classified as VUS-possibly pathogenic.

Literature cited by the submitters: PubMed 36973888.